The following is an entry in ClinVar:

ClinVar aggregate classification (germline): Pathogenic/Likely pathogenic. Review status: criteria provided, multiple submitters, no conflicts (2 of 4 stars). 3 submissions from 3 submitters: Pathogenic (1); Likely pathogenic (2). Last evaluated 2024-12-30.

Conditions:
Salla disease (SD). Also called: Sialuria, Finnish type; N-acetylneuraminic acid (NANA) storage disease (NSD); Infantile sialic acid storage disorder (ISSD); Less Severe FSASD (Salla Disease). Identifiers: Orphanet 309334, Orphanet 834, MedGen C1096903, MONDO:0011449, OMIM 604369.

Submissions (3):

Natera, Inc.
Classification: Likely pathogenic for Salla disease. Last evaluated: 2024-12-30. Review status: criteria provided, single submitter. Criteria: Natera Variant Classification Schema (03/2026). Collection method: clinical testing. Allele origin: germline.
Comment: The c.998delT variant in SLC17A5 is a frameshift variant predicted to shift the reading frame beginning at codon 333 and leads to a stop codon 4 codons downstream. This variant is expected to result in nonsense mediated decay, truncation, or a dysfunctional protein product. This variant is rare in the general population with a frequency below the threshold expected for the associated phenotype(s). Given the available evidence, this variant is classified as Likely Pathogenic.

Baylor Genetics
Classification: Likely pathogenic for Salla disease. Last evaluated: 2024-02-16. Review status: criteria provided, single submitter. Criteria: ACMG Guidelines, 2015. Collection method: clinical testing. Allele origin: unknown.

Labcorp Genetics (formerly Invitae), Labcorp
Classification: Pathogenic for Salla disease. Last evaluated: 2023-12-05. Review status: criteria provided, single submitter. Criteria: Invitae Variant Classification Sherloc (09022015). Collection method: clinical testing. Allele origin: germline.
Comment: This sequence change creates a premature translational stop signal (p.Leu333Cysfs*4) in the SLC17A5 gene. It is expected to result in an absent or disrupted protein product. Loss-of-function variants in SLC17A5 are known to be pathogenic (PMID: 10581036, 10947946, 15172001). This variant is present in population databases (rs779494716, gnomAD 0.0009%). This variant has not been reported in the literature in individuals affected with SLC17A5-related conditions. ClinVar contains an entry for this variant (Variation ID: 1458010). For these reasons, this variant has been classified as Pathogenic.

Literature cited by the submitters: PubMed 10581036 (cited by Labcorp Genetics (formerly Invitae), Labcorp); PubMed 10947946 (cited by Labcorp Genetics (formerly Invitae), Labcorp); PubMed 15172001 (cited by Labcorp Genetics (formerly Invitae), Labcorp).

NM_012434.5(SLC17A5):c.998del (p.Leu333fs)

Gene: SLC17A5 (solute carrier family 17 member 5; minus strand). Cytogenetic location: 6q13.
Variant type: Deletion.
Coding change: c.998del on transcript NM_012434.5 (MANE Select); coding-DNA position 998, one base deleted (T; older notation c.998delT).
Protein change: p.Leu333fs; shifts the reading frame from leucine 333.
Molecular consequence: frameshift variant.
Genome position (GRCh38, 1-based): chr6:73,615,428, A deleted on the plus strand (T on the coding strand, the reverse complement: SLC17A5 is on the minus strand); the first of 2 consecutive A bases (chr6:73,615,428-73,615,429); deleting either gives the same sequence. VCF-style (leftmost placement, unchanged base first): chr6-73615427-CA-C. GRCh37 (hg19) VCF-style: chr6-74325150-CA-C.
Other names: c.767del, p.Leu256fs (NM_001382629.1); c.998del, p.Leu333fs (NM_001382630.1, NM_001382633.1); c.1019del, p.Leu340fs (NM_001382631.1); c.911del, p.Leu304fs (NM_001382632.1); c.839del, p.Leu280fs (NM_001382634.1); c.995del, p.Leu332fs (NM_001382635.1); c.680del, p.Leu227fs (NM_001382636.1); c.998delT (NM_012434.4); short protein forms L256fs, L340fs, L333fs, L227fs, L280fs, L304fs, L332fs.
Identifiers: ClinVar variation 1458010 (VCV001458010.9), dbSNP rs779494716, ClinGen allele CA3890367.
Genomic context (GRCh38, chr6:73,615,427, plus strand): 5'-CCTTAAATTGTCAGCAGCTTGACCAGACAGGATCATACATAACCAAGAGCCTAAATAAGG[CA>C]ATGAAGATAAAAACCCATTCTGGAAGGAATAAGAAGATACAGGATTAATTACGGTGAGAG-3'